The following is an entry in ClinVar:

ClinVar aggregate classification (germline): Pathogenic (1 of 4 stars; one submission).

Submission:

Labcorp Genetics (formerly Invitae), Labcorp
Classification: Pathogenic. Last evaluated: 2020-03-25. Review status: criteria provided, single submitter. Criteria: Invitae Variant Classification Sherloc (09022015). Collection method: clinical testing. Allele origin: germline.
Comment: This variant is a gross deletion of the genomic region encompassing exons 1-5 of the RS1 gene, which includes the initiator codon. The 5' end of this event is unknown as it extends beyond the assayed region for this gene and therefore may encompass additional genes. The 3' boundary is likely confined to intron 5 of the RS1 gene. This is expected to result in an absent or disrupted protein product. This variant has not been reported in the literature in individuals with RS1-related conditions. Loss-of-function variants in RS1 are known to be pathogenic (PMID: 9618178, 17172462). For these reasons, this variant has been classified as Pathogenic.

Literature cited by the submitters: PubMed 9618178; PubMed 17172462.

NC_000023.10:g.(?_18662550)_(18690188_?)del

Genes: CDKL5 (cyclin dependent kinase like 5; plus strand), RS1 (retinoschisin 1; minus strand). Cytogenetic location: Xp22.13.
Variant type: Deletion.
Identifiers: ClinVar variation 1068997 (VCV001068997.1).